The following is an entry in ClinVar:

ClinVar aggregate classification (germline): Uncertain significance (1 of 4 stars; one submission).

Allele frequency attached by ClinVar (database versions not stated): gnomAD exomes 0.00005.
gnomAD v4.1: 70 of 1,613,642 alleles (0.0043%); highest among the groups gnomAD compares: Non-Finnish European, 0.0058%; no homozygotes.

Submission:

Labcorp Genetics (formerly Invitae), Labcorp
Classification: Uncertain significance. Last evaluated: 2022-02-18. Review status: criteria provided, single submitter. Criteria: Invitae Variant Classification Sherloc (09022015). Collection method: clinical testing. Allele origin: germline.
Comment: This sequence change replaces isoleucine, which is neutral and non-polar, with serine, which is neutral and polar, at codon 3586 of the HMCN1 protein (p.Ile3586Ser). In summary, the available evidence is currently insufficient to determine the role of this variant in disease. Therefore, it has been classified as a Variant of Uncertain Significance. Algorithms developed to predict the effect of missense changes on protein structure and function (SIFT, PolyPhen-2, Align-GVGD) all suggest that this variant is likely to be disruptive. This variant has not been reported in the literature in individuals affected with HMCN1-related conditions. This variant is present in population databases (no rsID available, gnomAD 0.0009%).

NM_031935.3(HMCN1):c.10757T>G (p.Ile3586Ser)

Gene: HMCN1 (hemicentin 1; plus strand). Cytogenetic location: 1q31.1.
Variant type: single nucleotide variant.
Coding change: c.10757T>G on transcript NM_031935.3 (MANE Select); coding-DNA position 10757, T replaced by G.
Protein change: p.Ile3586Ser; replaces isoleucine 3586 with serine.
Molecular consequence: missense variant.
Genome position (GRCh38, 1-based): chr1:186,103,655, T>G. VCF-style: chr1-186103655-T-G. GRCh37 (hg19) VCF-style: chr1-186072787-T-G.
Other names: short protein forms I3586S.
Identifiers: ClinVar variation 2428340 (VCV002428340.6), dbSNP rs1430331837, ClinGen allele CA343935605.